The following is an entry in ClinVar:

NM_005739.4(RASGRP1):c.2069T>C (p.Phe690Ser)

Gene: RASGRP1 (RAS guanyl releasing protein 1; minus strand). Cytogenetic location: 15q14.
Variant type: single nucleotide variant.
Coding change: c.2069T>C on transcript NM_005739.4 (MANE Select); coding-DNA position 2069, T replaced by C.
Protein change: p.Phe690Ser; replaces phenylalanine 690 with serine.
Molecular consequence: missense variant. On other transcripts: intron variant (1).
Genome position (GRCh38, 1-based): chr15:38,494,572, A>G on the plus strand (T>C on the coding strand, the complement: RASGRP1 is on the minus strand). VCF-style: chr15-38494572-A-G. GRCh37 (hg19) VCF-style: chr15-38786773-A-G.
Other names: c.1964T>C, p.Phe655Ser (NM_001128602.2); c.1769-3884T>C (NM_001306086.2); short protein forms F690S, F655S.
Identifiers: ClinVar variation 1524874 (VCV001524874.5), dbSNP rs763001228, ClinGen allele CA268729379.

ClinVar aggregate classification (germline): Uncertain significance. Review status: criteria provided, multiple submitters, no conflicts (2 of 4 stars). 2 submissions from 2 submitters: Uncertain significance (2). Last evaluated 2024-05-06.

Allele frequency attached by ClinVar (database versions not stated): gnomAD exomes 0.00001; TOPMed 0.00001.
gnomAD v4.1: 20 of 1,563,646 alleles (0.0013%); highest among the groups gnomAD compares: Middle Eastern, 0.051%; no homozygotes.

Submissions (2):

Labcorp Genetics (formerly Invitae), Labcorp
Classification: Uncertain significance. Last evaluated: 2024-05-06. Review status: criteria provided, single submitter. Criteria: Invitae Variant Classification Sherloc (09022015). Collection method: clinical testing. Allele origin: germline.
Comment: This sequence change replaces phenylalanine, which is neutral and non-polar, with serine, which is neutral and polar, at codon 690 of the RASGRP1 protein (p.Phe690Ser). The frequency data for this variant in the population databases is considered unreliable, as metrics indicate poor data quality at this position in the gnomAD database. This variant has not been reported in the literature in individuals affected with RASGRP1-related conditions. ClinVar contains an entry for this variant (Variation ID: 1524874). An algorithm developed to predict the effect of missense changes on protein structure and function (PolyPhen-2) suggests that this variant¬†is likely to be tolerated. In summary, the available evidence is currently insufficient to determine the role of this variant in disease. Therefore, it has been classified as a Variant of Uncertain Significance.

Breakthrough Genomics
Classification: Uncertain significance. Review status: criteria provided, single submitter. Criteria: ACMG Guidelines, 2015. Collection method: not provided. Allele origin: germline. Inheritance: Autosomal recessive inheritance. Affected: yes.